The following is an entry in ClinVar:

NM_018089.3(ANKZF1):c.59G>A (p.Ser20Asn)

Gene: ANKZF1 (ankyrin repeat and zinc finger peptidyl tRNA hydrolase 1; plus strand). Cytogenetic location: 2q35.
Variant type: single nucleotide variant.
Coding change: c.59G>A on transcript NM_018089.3 (MANE Select); coding-DNA position 59, G replaced by A.
Protein change: p.Ser20Asn; replaces serine 20 with asparagine.
Molecular consequence: missense variant. On other transcripts: intron variant (1).
Genome position (GRCh38, 1-based): chr2:219,230,316, G>A. VCF-style: chr2-219230316-G-A. GRCh37 (hg19) VCF-style: chr2-220095038-G-A.
Other names: c.59G>A, p.Ser20Asn (NM_001042410.2); c.-267+416G>A (NM_001282792.2); short protein forms S20N.
Identifiers: ClinVar variation 1906280 (VCV001906280.5), dbSNP rs2544903684, ClinGen allele CA350669994.

ClinVar aggregate classification (germline): Uncertain significance (1 of 4 stars; one submission).

Allele frequency attached by ClinVar (database versions not stated): gnomAD exomes below 0.00001.
gnomAD v4.1: 1 of 1,614,122 alleles (0.000062%); highest among the groups gnomAD compares: Non-Finnish European, 0.000085%; no homozygotes.

Submission:

Labcorp Genetics (formerly Invitae), Labcorp
Classification: Uncertain significance. Last evaluated: 2022-07-14. Review status: criteria provided, single submitter. Criteria: Invitae Variant Classification Sherloc (09022015). Collection method: clinical testing. Allele origin: germline.
Comment: This sequence change replaces serine, which is neutral and polar, with asparagine, which is neutral and polar, at codon 20 of the ANKZF1 protein (p.Ser20Asn). This variant is not present in population databases (gnomAD no frequency). In summary, the available evidence is currently insufficient to determine the role of this variant in disease. Therefore, it has been classified as a Variant of Uncertain Significance. Algorithms developed to predict the effect of missense changes on protein structure and function output the following: SIFT: "Tolerated"; PolyPhen-2: "Benign"; Align-GVGD: "Class C0". The asparagine amino acid residue is found in multiple mammalian species, which suggests that this missense change does not adversely affect protein function. This variant has not been reported in the literature in individuals affected with ANKZF1-related conditions.